The following is an entry in ClinVar:

ClinVar aggregate classification (germline): Conflicting classifications of pathogenicity. Review status: criteria provided, conflicting classifications (1 of 4 stars). 2 submissions from 2 submitters: Uncertain significance (1); Likely benign (1). Last evaluated 2026-01-12.

gnomAD v4.1: 421 of 1,613,898 alleles (0.026%); highest among the groups gnomAD compares: Non-Finnish European, 0.033%; no homozygotes.

Submissions (2):

Labcorp Genetics (formerly Invitae), Labcorp
Classification: Uncertain significance. Last evaluated: 2026-01-12. Review status: criteria provided, single submitter. Criteria: Invitae Variant Classification Sherloc (09022015). Collection method: clinical testing. Allele origin: germline.
Comment: This sequence change replaces glycine, which is neutral and non-polar, with arginine, which is basic and polar, at codon 655 of the EPAS1 protein (p.Gly655Arg). This variant is present in population databases (rs201673782, gnomAD 0.04%), and has an allele count higher than expected for a pathogenic variant. This missense change has been observed in individual(s) with EPAS1-related conditions (PMID: 33300499). ClinVar contains an entry for this variant (Variation ID: 3388220). An algorithm developed to predict the effect of missense changes on protein structure and function (PolyPhen-2) suggests that this variant is likely to be tolerated. In summary, the available evidence is currently insufficient to determine the role of this variant in disease. Therefore, it has been classified as a Variant of Uncertain Significance.

CeGaT Center for Human Genetics Tuebingen
Classification: Likely benign. Last evaluated: 2024-10-01. Review status: criteria provided, single submitter. Criteria: CeGaT Center For Human Genetics Tuebingen Variant Classification Criteria Version 2. Collection method: clinical testing. Allele origin: germline. Affected: yes. Observed: 1 variant allele.
Comment: EPAS1: BP4, BS2

Literature cited by the submitters: PubMed 33300499 (cited by Labcorp Genetics (formerly Invitae), Labcorp).

NM_001430.5(EPAS1):c.1963G>A (p.Gly655Arg)

Gene: EPAS1 (endothelial PAS domain protein 1; plus strand). Cytogenetic location: 2p21.
Variant type: single nucleotide variant.
Coding change: c.1963G>A on transcript NM_001430.5 (MANE Select); coding-DNA position 1963, G replaced by A.
Protein change: p.Gly655Arg; replaces glycine 655 with arginine.
Molecular consequence: missense variant.
Genome position (GRCh38, 1-based): chr2:46,380,635, G>A. VCF-style: chr2-46380635-G-A. GRCh37 (hg19) VCF-style: chr2-46607774-G-A.
Other names: short protein forms G655R.
Identifiers: ClinVar variation 3388220 (VCV003388220.16).
Genomic context (GRCh38, chr2:46,380,635, plus strand): 5'-TCCAATACCCAGTGGCCCCCAGATCCACCATTACATTTTGGGCCCACAAAGTGGGCCGTC[G>A]GGGATCAGCGCACAGAGTTCTTGGGAGCAGCGCCGTTGGGGCCCCCTGTCTCTCCACCCC-3'
Protein context (NP_001421.2, residues 645-665): LHFGPTKWAV[Gly655Arg]DQRTEFLGAA